The following is an entry in ClinVar:

ClinVar aggregate classification (germline): Uncertain significance. Review status: criteria provided, multiple submitters, no conflicts (2 of 4 stars). 2 submissions from 2 submitters: Uncertain significance (2). Last evaluated 2026-05-06.

Conditions:
Oto-palato-digital syndrome, type II (OPD2). Also called: FACIOPALATOOSSEOUS SYNDROME; OPD II SYNDROME; Otopalatodigital Syndrome, Type II; Otopalatodigital Syndrome Type 2 (FLNA-OPD2). Identifiers: Orphanet 669, Orphanet 90652, MedGen C1844696, MONDO:0010571, OMIM 304120.
Heterotopia, periventricular, X-linked dominant (PVNH1). Also called: PERIVENTRICULAR NODULAR HETEROTOPIA 1; X-linked periventricular heterotopia; PERIVENTRICULAR NODULAR HETEROTOPIA 4; HETEROTOPIA, PERIVENTRICULAR, 1. Identifiers: Orphanet 2149, Orphanet 82004, MedGen C1848213, MONDO:0010233, OMIM 300049.
Melnick-Needles syndrome (MNS). Also called: MELNICK-NEEDLES OSTEODYSPLASTY; OSTEODYSPLASTY OF MELNICK AND NEEDLES; Melnick-Needles Syndrome (FLNA-MNS). Identifiers: Orphanet 2484, MedGen C0025237, MONDO:0010650, OMIM 309350.
Frontometaphyseal dysplasia (FMD1). Identifiers: Orphanet 1826, MedGen C0265293, MONDO:0015942.

Allele frequency attached by ClinVar (database versions not stated): gnomAD exomes below 0.00001; TOPMed 0.00001.

Submissions (2):

GeneDx
Classification: Uncertain significance. Last evaluated: 2026-05-06. Review status: criteria provided, single submitter. Criteria: GeneDx Variant Classification Process June 2021. Collection method: clinical testing. Allele origin: germline.
Comment: Not observed at significant frequency in large population cohorts (gnomAD); In silico analysis supports that this missense variant has a deleterious effect on protein structure/function; Has not been previously published as pathogenic or benign to our knowledge

Labcorp Genetics (formerly Invitae), Labcorp
Classification: Uncertain significance for Oto-palato-digital syndrome, type II; Heterotopia, periventricular, X-linked dominant; Frontometaphyseal dysplasia; Melnick-Needles syndrome. Last evaluated: 2024-10-30. Review status: criteria provided, single submitter. Criteria: Invitae Variant Classification Sherloc (09022015). Collection method: clinical testing. Allele origin: germline.
Comment: This sequence change replaces glutamic acid, which is acidic and polar, with lysine, which is basic and polar, at codon 2432 of the FLNA protein (p.Glu2432Lys). This variant is not present in population databases (gnomAD no frequency). This variant has not been reported in the literature in individuals affected with FLNA-related conditions. ClinVar contains an entry for this variant (Variation ID: 2428965). Invitae Evidence Modeling of protein sequence and biophysical properties (such as structural, functional, and spatial information, amino acid conservation, physicochemical variation, residue mobility, and thermodynamic stability) indicates that this missense variant is not expected to disrupt FLNA protein function with a negative predictive value of 95%. In summary, the available evidence is currently insufficient to determine the role of this variant in disease. Therefore, it has been classified as a Variant of Uncertain Significance.

NM_001110556.2(FLNA):c.7318G>A (p.Glu2440Lys)

Gene: FLNA (filamin A; minus strand). Cytogenetic location: Xq28.
Variant type: single nucleotide variant.
Coding change: c.7318G>A on transcript NM_001110556.2 (MANE Select); coding-DNA position 7318, G replaced by A.
Protein change: p.Glu2440Lys; replaces glutamic acid 2440 with lysine.
Molecular consequence: missense variant.
Genome position (GRCh38, 1-based): chrX:154,350,046, C>T on the plus strand (G>A on the coding strand, the complement: FLNA is on the minus strand). VCF-style: chrX-154350046-C-T. GRCh37 (hg19) VCF-style: chrX-153578414-C-T.
Other names: c.7294G>A, p.Glu2432Lys (NM_001456.4); short protein forms E2432K, E2440K.
Identifiers: ClinVar variation 2428965 (VCV002428965.7), dbSNP rs2067607058, ClinGen allele CA415183679.